The following is an entry in ClinVar:

NM_001605.3(AARS1):c.2287-3C>T

Gene: AARS1 (alanyl-tRNA synthetase 1; minus strand). Cytogenetic location: 16q22.1.
Variant type: single nucleotide variant.
Coding change: c.2287-3C>T on transcript NM_001605.3 (MANE Select); 3 bases into the intron before coding-DNA position 2287, C replaced by T.
Molecular consequence: intron variant.
Genome position (GRCh38, 1-based): chr16:70,254,737, G>A on the plus strand (C>T on the coding strand, the complement: AARS1 is on the minus strand). VCF-style: chr16-70254737-G-A. GRCh37 (hg19) VCF-style: chr16-70288640-G-A.
Identifiers: ClinVar variation 2070149 (VCV002070149.4), dbSNP rs2506991223, ClinGen allele CA2580091991.

ClinVar aggregate classification (germline): Uncertain significance (1 of 4 stars; one submission).

Conditions:
Charcot-Marie-Tooth disease type 2. Also called: Charcot-Marie-Tooth type 2. Identifiers: Orphanet 64746, MedGen C0270914, MONDO:0018993.

Allele frequency attached by ClinVar (database versions not stated): gnomAD exomes below 0.00001.
gnomAD v4.1: 1 of 1,600,456 alleles (0.000062%); highest among the groups gnomAD compares: Non-Finnish European, 0.000086%; no homozygotes.

Submission:

Labcorp Genetics (formerly Invitae), Labcorp
Classification: Uncertain significance for Charcot-Marie-Tooth disease type 2. Last evaluated: 2024-06-08. Review status: criteria provided, single submitter. Criteria: Invitae Variant Classification Sherloc (09022015). Collection method: clinical testing. Allele origin: germline.
Comment: This sequence change falls in intron 16 of the AARS gene. It does not directly change the encoded amino acid sequence of the AARS protein. It affects a nucleotide within the consensus splice site. This variant is not present in population databases (gnomAD no frequency). This variant has not been reported in the literature in individuals affected with AARS-related conditions. ClinVar contains an entry for this variant (Variation ID: 2070149). Variants that disrupt the consensus splice site are a relatively common cause of aberrant splicing (PMID: 17576681, 9536098). Algorithms developed to predict the effect of sequence changes on RNA splicing suggest that this variant is not likely to affect RNA splicing. In summary, the available evidence is currently insufficient to determine the role of this variant in disease. Therefore, it has been classified as a Variant of Uncertain Significance.

Literature cited by the submitters: PubMed 17576681; PubMed 9536098.